The following is an entry in ClinVar:

NM_013275.6(ANKRD11):c.1259T>G (p.Val420Gly)

Gene: ANKRD11 (ankyrin repeat domain 11; minus strand). Cytogenetic location: 16q24.3.
Variant type: single nucleotide variant.
Coding change: c.1259T>G on transcript NM_013275.6 (MANE Select); coding-DNA position 1259, T replaced by G.
Protein change: p.Val420Gly; replaces valine 420 with glycine.
Molecular consequence: missense variant.
Genome position (GRCh38, 1-based): chr16:89,285,283, A>C on the plus strand (T>G on the coding strand, the complement: ANKRD11 is on the minus strand). VCF-style: chr16-89285283-A-C. GRCh37 (hg19) VCF-style: chr16-89351691-A-C.
Other names: c.1259T>G, p.Val420Gly (NM_001256182.2, NM_001256183.2); short protein forms V420G.
Identifiers: ClinVar variation 3719664 (VCV003719664.2).

ClinVar aggregate classification (germline): Uncertain significance (1 of 4 stars; one submission).

Conditions:
KBG syndrome (KBGS). Also called: ANKRD11-Related KBG Syndrome. Identifiers: Orphanet 2332, MedGen C0220687, MONDO:0007846, OMIM 148050.

gnomAD v4.1: 4 of 1,613,670 alleles (0.00025%); highest among the groups gnomAD compares: Non-Finnish European, 0.00034%; no homozygotes.

Submission:

Labcorp Genetics (formerly Invitae), Labcorp
Classification: Uncertain significance for KBG syndrome. Last evaluated: 2025-03-10. Review status: criteria provided, single submitter. Criteria: Invitae Variant Classification Sherloc (09022015). Collection method: clinical testing. Allele origin: germline.
Comment: This sequence change replaces valine, which is neutral and non-polar, with glycine, which is neutral and non-polar, at codon 420 of the ANKRD11 protein (p.Val420Gly). This variant is present in population databases (rs372182716, gnomAD 0.0008%). This variant has not been reported in the literature in individuals affected with ANKRD11-related conditions. Invitae Evidence Modeling of protein sequence and biophysical properties (such as structural, functional, and spatial information, amino acid conservation, physicochemical variation, residue mobility, and thermodynamic stability) indicates that this missense variant is not expected to disrupt ANKRD11 protein function with a negative predictive value of 95%. In summary, the available evidence is currently insufficient to determine the role of this variant in disease. Therefore, it has been classified as a Variant of Uncertain Significance.